The following is an entry in ClinVar:

ClinVar aggregate classification (germline): Uncertain significance (1 of 4 stars; one submission).

Allele frequency attached by ClinVar (database versions not stated): gnomAD 0.00001; TOPMed 0.00001.

Submission:

Labcorp Genetics (formerly Invitae), Labcorp
Classification: Uncertain significance. Last evaluated: 2023-03-21. Review status: criteria provided, single submitter. Criteria: Invitae Variant Classification Sherloc (09022015). Collection method: clinical testing. Allele origin: germline.
Comment: This sequence change replaces glycine, which is neutral and non-polar, with glutamic acid, which is acidic and polar, at codon 201 of the DCHS1 protein (p.Gly201Glu). This variant is not present in population databases (gnomAD no frequency). This variant has not been reported in the literature in individuals affected with DCHS1-related conditions. ClinVar contains an entry for this variant (Variation ID: 2010656). Advanced modeling of protein sequence and biophysical properties (such as structural, functional, and spatial information, amino acid conservation, physicochemical variation, residue mobility, and thermodynamic stability) performed at Invitae indicates that this missense variant is not expected to disrupt DCHS1 protein function. In summary, the available evidence is currently insufficient to determine the role of this variant in disease. Therefore, it has been classified as a Variant of Uncertain Significance.

NM_003737.4(DCHS1):c.602G>A (p.Gly201Glu)

Gene: DCHS1 (dachsous cadherin-related 1; minus strand). Cytogenetic location: 11p15.4.
Variant type: single nucleotide variant.
Coding change: c.602G>A on transcript NM_003737.4 (MANE Select); coding-DNA position 602, G replaced by A.
Protein change: p.Gly201Glu; replaces glycine 201 with glutamic acid.
Molecular consequence: missense variant.
Genome position (GRCh38, 1-based): chr11:6,641,012, C>T on the plus strand (G>A on the coding strand, the complement: DCHS1 is on the minus strand). VCF-style: chr11-6641012-C-T. GRCh37 (hg19) VCF-style: chr11-6662243-C-T.
Other names: short protein forms G201E.
Identifiers: ClinVar variation 2010656 (VCV002010656.4), dbSNP rs866416985, ClinGen allele CA217303463.